The following is an entry in ClinVar:

NM_014669.5(NUP93):c.481_483del (p.Glu161del)

Gene: NUP93 (nucleoporin 93; plus strand). Cytogenetic location: 16q13.
Variant type: Deletion.
Coding change: c.481_483del on transcript NM_014669.5 (MANE Select); coding-DNA positions 481 to 483, 3 bases deleted (GAA; older notation c.481_483delGAA).
Protein change: p.Glu161del; deletes glutamic acid 161.
Molecular consequence: inframe deletion.
Genome position (GRCh38, 1-based): chr16:56,805,624-56,805,626, GAA deleted; deleting any 3 consecutive bases within chr16:56,805,622-56,805,626 gives the same sequence; the c. name uses the placement nearest the transcript's 3' end. VCF-style (leftmost placement, unchanged base first): chr16-56805621-CAAG-C. GRCh37 (hg19) VCF-style: chr16-56839533-CAAG-C.
Other names: c.112_114del, p.Glu38del (NM_001242795.2, NM_001242796.2); short protein forms E161del, E38del.
Identifiers: ClinVar variation 1803559 (VCV001803559.1), dbSNP rs2544005699, ClinGen allele CA2580091650.

ClinVar aggregate classification (germline): Uncertain significance (1 of 4 stars; one submission).

Submission:

GeneDx
Classification: Uncertain significance. Last evaluated: 2022-06-10. Review status: criteria provided, single submitter. Criteria: GeneDx Variant Classification Process June 2021. Collection method: clinical testing. Allele origin: germline. Affected: yes.
Comment: Not observed at significant frequency in large population cohorts (gnomAD); In-frame deletion of 1 amino acid in a non-repeat region; In silico analysis supports a deleterious effect on protein structure/function; Has not been previously published as pathogenic or benign to our knowledge